The following is an entry in ClinVar:

NM_002474.3(MYH11):c.751G>A (p.Asp251Asn)

Gene: MYH11 (myosin heavy chain 11; minus strand). Cytogenetic location: 16p13.11.
Variant type: single nucleotide variant.
Coding change: c.751G>A on transcript NM_002474.3 (MANE Select); coding-DNA position 751, G replaced by A.
Protein change: p.Asp251Asn; replaces aspartic acid 251 with asparagine.
Molecular consequence: missense variant.
Genome position (GRCh38, 1-based): chr16:15,778,819, C>T on the plus strand (G>A on the coding strand, the complement: MYH11 is on the minus strand). VCF-style: chr16-15778819-C-T. GRCh37 (hg19) VCF-style: chr16-15872676-C-T.
Other names: c.751G>A (NM_002474.2); c.772G>A, p.Asp258Asn (NM_001040113.2, NM_001040114.2); c.751G>A, p.Asp251Asn (NM_022844.3); short protein forms D251N, D258N.
Identifiers: ClinVar variation 2773868 (VCV002773868.3), dbSNP rs960296942, ClinGen allele CA278596414.
Genomic context (GRCh38, chr16:15,778,819, plus strand): 5'-CCAGGCTCAGGGAAAGGATACAGGTCTCAATGTTGGCTCCCACGATGTAACCCGTGACGT[C>T]GAAGTTGATGCGGATGAATTTGCCCTGCCAACAGGAAAACACAGTTCAGGCTTTGCTGCC-3'
Protein context (NP_002465.1, residues 241-261): RFGKFIRINF[Asp251Asn]VTGYIVGANI

ClinVar aggregate classification (germline): Uncertain significance. Review status: criteria provided, multiple submitters, no conflicts (2 of 4 stars). 2 submissions from 2 submitters: Uncertain significance (2). Last evaluated 2026-07-01.

Conditions:
Familial thoracic aortic aneurysm and aortic dissection (TAAD). Also called: Thoracic aortic aneurysms and dissections. Identifiers: Orphanet 91387, MedGen C4707243, MONDO:0019625.

Allele frequency attached by ClinVar (database versions not stated): gnomAD exomes below 0.00001.
gnomAD v4.1: 4 of 1,614,068 alleles (0.00025%); highest among the groups gnomAD compares: Non-Finnish European, 0.00025%; no homozygotes.

Submissions (2):

Ambry Genetics
Classification: Uncertain significance for Familial thoracic aortic aneurysm and aortic dissection. Last evaluated: 2026-07-01. Review status: criteria provided, single submitter. Criteria: Ambry Variant Classification Scheme 2023. Collection method: clinical testing. Allele origin: germline.
Comment: The p.D251N variant (also known as c.751G>A), located in coding exon 6 of the MYH11 gene, results from a G to A substitution at nucleotide position 751. The aspartic acid at codon 251 is replaced by asparagine, an amino acid with highly similar properties. This amino acid position is conserved. In addition, this alteration is predicted to be tolerated by in silico analysis. Based on the available evidence, the clinical significance of this variant remains unclear.

Color Diagnostics, LLC DBA Color Health
Classification: Uncertain significance for Familial thoracic aortic aneurysm and aortic dissection. Last evaluated: 2023-08-23. Review status: criteria provided, single submitter. Criteria: ACMG Guidelines, 2015. Collection method: clinical testing. Allele origin: germline.
Comment: This missense variant replaces aspartic acid with asparagine at codon 258 of the MYH11 protein. Computational prediction is inconclusive regarding the impact of this variant on protein structure and function (internally defined REVEL score threshold 0.5 < inconclusive < 0.7, PMID: 27666373). To our knowledge, functional studies have not been reported for this variant. This variant has not been reported in individuals affected with MYH11-related disorders in the literature. This variant has been identified in 2/251480 chromosomes in the general population by the Genome Aggregation Database (gnomAD). The available evidence is insufficient to determine the role of this variant in disease conclusively. Therefore, this variant is classified as a Variant of Uncertain Significance.